The following is an entry in ClinVar:

NM_001292034.3(TAB2):c.1501G>T (p.Glu501Ter)

Genes: TAB2 (TGF-beta activated kinase 1 (MAP3K7) binding protein 2; plus strand), LOC126859827 (BRD4-independent group 4 enhancer GRCh37_chr6:149699707-149700906; plus strand). Cytogenetic location: 6q25.1.
Variant type: single nucleotide variant.
Coding change: c.1501G>T on transcript NM_001292034.3 (MANE Select); coding-DNA position 1501, G replaced by T.
Protein change: p.Glu501Ter; replaces glutamic acid 501 with a stop codon.
Molecular consequence: nonsense.
Genome position (GRCh38, 1-based): chr6:149,379,416, G>T. VCF-style: chr6-149379416-G-T. GRCh37 (hg19) VCF-style: chr6-149700552-G-T.
Other names: c.1405G>T, p.Glu469Ter (NM_001292035.3); c.1501G>T, p.Glu501Ter (NM_001369506.1, NM_015093.6); short protein forms E469*, E501*.
Identifiers: ClinVar variation 2444290 (VCV002444290.1), dbSNP rs577148408, ClinGen allele CA365999724.

ClinVar aggregate classification (germline): Likely pathogenic (1 of 4 stars; one submission).

Conditions:
Congenital heart defects, multiple types, 2 (CHTD2). Also called: Congenital heart defects, nonsyndromic, 2. Identifiers: Orphanet 664401, MedGen C3554279, MONDO:0014000, OMIM 614980.

Submission:

3billion
Classification: Likely pathogenic for Congenital heart defects, multiple types, 2. Last evaluated: 2023-02-23. Review status: criteria provided, single submitter. Criteria: ACMG Guidelines, 2015. Collection method: clinical testing. Allele origin: unknown. Affected: yes.
Comment: The variant is not observed in the gnomAD v2.1.1 dataset. This variant was predicted to result in a loss or disruption of normal protein function through nonsense-mediated decay (NMD) or protein truncation. Multiple pathogenic variants are reported downstream of the variant. Therefore, this variant is classified as Likely pathogenic according to the recommendation of ACMG/AMP guideline.